The following is an entry in ClinVar:

ClinVar aggregate classification (germline): Likely pathogenic (0 of 4 stars; one submission).

Conditions:
KRIT1-related disorder. Also called: KRIT1-related condition; KRIT1-related disorders.

Submission:

PreventionGenetics, part of Exact Sciences
Classification: Likely pathogenic for KRIT1-related condition. Last evaluated: 2024-04-15. Review status: no assertion criteria provided. Collection method: clinical testing. Allele origin: germline.
Comment: The KRIT1 c.1864delinsTTT variant is predicted to result in a frameshift and premature protein termination (p.Gln622Phefs*40). To our knowledge, this variant has not been reported in the literature or in a large population database, indicating this variant is rare. Frameshift variants in KRIT1 are expected to be pathogenic. This variant is interpreted as likely pathogenic.

NM_194454.3(KRIT1):c.1864delinsTTT (p.Gln622fs)

Gene: KRIT1 (KRIT1 ankyrin repeat containing; minus strand). Cytogenetic location: 7q21.2.
Variant type: Indel.
Coding change: c.1864delinsTTT on transcript NM_194454.3 (MANE Select); coding-DNA position 1864, C replaced by TTT.
Protein change: p.Gln622fs; shifts the reading frame from glutamine 622.
Molecular consequence: frameshift variant.
Genome position (GRCh38, 1-based): chr7:92,213,356, G replaced by AAA on the plus strand (C replaced by TTT on the coding strand, the reverse complement: KRIT1 is on the minus strand). VCF-style: chr7-92213356-G-AAA. GRCh37 (hg19) VCF-style: chr7-91842670-G-AAA.
Other names: c.1720delinsTTT, p.Gln574fs (NM_001013406.2, NM_001350669.1, NM_001350670.1); c.1150delinsTTT, p.Gln384fs (NM_001350671.1); c.1864delinsTTT, p.Gln622fs (NM_001350672.1, NM_001350673.1, NM_001350674.1 and 26 more transcripts); short protein forms Q384fs, Q574fs, Q622fs.
Identifiers: ClinVar variation 3344494 (VCV003344494.1).